The following is an entry in ClinVar:

NM_144670.6(A2ML1):c.1237G>A (p.Val413Ile)

Gene: A2ML1 (alpha-2-macroglobulin like 1; plus strand). Cytogenetic location: 12p13.31.
Variant type: single nucleotide variant.
Coding change: c.1237G>A on transcript NM_144670.6 (MANE Select); coding-DNA position 1237, G replaced by A.
Protein change: p.Val413Ile; replaces valine 413 with isoleucine.
Molecular consequence: missense variant.
Genome position (GRCh38, 1-based): chr12:8,841,525, G>A. VCF-style: chr12-8841525-G-A. GRCh37 (hg19) VCF-style: chr12-8994121-G-A.
Other names: short protein forms V413I.
Identifiers: ClinVar variation 406202 (VCV000406202.37), dbSNP rs185181365, ClinGen allele CA6435572.

ClinVar aggregate classification (germline): Benign/Likely benign. Review status: criteria provided, multiple submitters, no conflicts (2 of 4 stars). 5 submissions from 5 submitters: Benign (1); Likely benign (3). 1 of the submissions does not count toward it. Last evaluated 2026-01-21.

Conditions:
A2ML1-related disorder. Also called: A2ML1-related condition.

Allele frequency attached by ClinVar (database versions not stated): ExAC 0.00032; gnomAD exomes 0.00039 and 0.00092; 1000 Genomes Project 0.00040; 1000 Genomes Project 30x 0.00047; gnomAD 0.00047 and 0.00050; TOPMed 0.00055; ESP Exome Variant Server 0.00058.

Submissions (5):

Labcorp Genetics (formerly Invitae), Labcorp
Classification: Likely benign. Last evaluated: 2026-01-21. Review status: criteria provided, single submitter. Criteria: Invitae Variant Classification Sherloc (09022015). Collection method: clinical testing. Allele origin: germline.

CeGaT Center for Human Genetics Tuebingen
Classification: Likely benign. Last evaluated: 2024-01-01. Review status: criteria provided, single submitter. Criteria: CeGaT Center For Human Genetics Tuebingen Variant Classification Criteria Version 2. Collection method: clinical testing. Allele origin: germline. Affected: yes. Observed: 1 variant allele.
Comment: A2ML1: BP4

Women's Health and Genetics/Laboratory Corporation of America, LabCorp
Classification: Likely benign. Last evaluated: 2020-02-03. Review status: criteria provided, single submitter. Criteria: LabCorp Variant Classification Summary - May 2015. Collection method: clinical testing. Allele origin: germline.
Comment: Variant summary: A2ML1 c.1237G>A (p.Val413Ile) results in a conservative amino acid change located in the Macroglobulin domain MG4 (IPR040839) of the encoded protein sequence. Five of five in-silico tools predict a benign effect of the variant on protein function. The variant allele was found at a frequency of 0.00039 in 247936 control chromosomes (gnomAD). The observed variant frequency is approximately 98 fold of the estimated maximal expected allele frequency for a pathogenic variant in A2ML1 causing Noonan Syndrome phenotype (4e-06), strongly suggesting that the variant is benign. To our knowledge, no occurrence of c.1237G>A in individuals affected with Noonan Syndrome and no experimental evidence demonstrating its impact on protein function have been reported. One ClinVar submitter (evaluation after 2014) cites the variant as likely benign. Based on the evidence outlined above, the variant was classified as likely benign.

GeneDx
Classification: Benign. Last evaluated: 2019-12-18. Review status: criteria provided, single submitter. Criteria: GeneDx Variant Classification Process June 2021. Collection method: clinical testing. Allele origin: germline. Affected: yes.

PreventionGenetics, part of Exact Sciences
Classification: Likely benign for A2ML1-related condition. Last evaluated: 2023-07-20. Review status: no assertion criteria provided. Collection method: clinical testing. Allele origin: germline. Not counted in ClinVar's aggregate classification.
Comment: This variant is classified as likely benign based on ACMG/AMP sequence variant interpretation guidelines (Richards et al. 2015 PMID: 25741868, with internal and published modifications).